The following is an entry in ClinVar:

ClinVar aggregate classification (germline): Benign. Review status: criteria provided, single submitter (1 of 4 stars). 2 submissions from 2 submitters: Benign (1). 1 of the submissions does not count toward it. Last evaluated 2019-07-12.

Conditions:
Sudden death. Identifiers: MedGen C0011071, HP:0001699.
MELAS syndrome (MELAS). Also called: Juvenile myopathy, encephalopathy, lactic acidosis, stroke. Identifiers: Orphanet 550, MedGen C0162671, MONDO:0010789, OMIM 540000.

Submissions (2):

Wong Mito Lab, Molecular and Human Genetics, Baylor College of Medicine
Classification: Benign for MELAS syndrome. Last evaluated: 2019-07-12. Review status: criteria provided, single submitter. Criteria: Modified ACMG Guidelines (Unpublished). Collection method: clinical testing. Allele origin: germline.
Comment: The NC_012920.1:m.10044A>G variant in MT-TG gene is interpreted to be a Benign variant based on the modified ACMG guidelines (unpublished). This variant meets the following evidence codes reported in the guidelines: BS1, BS2

OMIM
Classification: Pathogenic for SUDDEN DEATH. Last evaluated: 2003-05-09. Review status: no assertion criteria provided. Collection method: literature only. Allele origin: germline. Not counted in ClinVar's aggregate classification.

Literature cited by the submitters: PubMed 31965079 (cited by Wong Mito Lab, Molecular and Human Genetics, Baylor College of Medicine); PubMed 8888049 (cited by OMIM); PubMed 12621050 (cited by OMIM).

NC_012920.1(MT-TG):m.10044A>G

Gene: MT-TG (mitochondrially encoded tRNA glycine; plus strand).
Variant type: single nucleotide variant.
Genome position: chrM-10044-A-G.
Other names: 10044A-G.
Identifiers: ClinVar variation 9613 (VCV000009613.2), dbSNP rs41362547, ClinGen allele CA120578.